The following is an entry in ClinVar:

NM_000093.5(COL5A1):c.1175C>T (p.Pro392Leu)

Gene: COL5A1 (collagen type V alpha 1 chain; plus strand). Cytogenetic location: 9q34.3.
Variant type: single nucleotide variant.
Coding change: c.1175C>T on transcript NM_000093.5 (MANE Select); coding-DNA position 1175, C replaced by T.
Protein change: p.Pro392Leu; replaces proline 392 with leucine.
Molecular consequence: missense variant.
Genome position (GRCh38, 1-based): chr9:134,731,506, C>T. VCF-style: chr9-134731506-C-T. GRCh37 (hg19) VCF-style: chr9-137623352-C-T.
Other names: c.1175C>T, p.Pro392Leu (NM_001278074.1); short protein forms P392L.
Identifiers: ClinVar variation 529250 (VCV000529250.15), dbSNP rs1290737803, ClinGen allele CA375450573.
Genomic context (GRCh38, chr9:134,731,506, plus strand): 5'-GTGCCTGGTGCGTTTGCGAGGCAACCCTGCGCCTTCCTCTCCCTCTGCAGCCAGCTCCGC[C>T]TCCAGGGGAAGGTGCGGATGACTTGGAGGGGGAGTTCACTGAGGAAACGATCCGGAACCT-3'
Protein context (NP_000084.3, residues 382-402): DTSNSSNPAP[Pro392Leu]PGEGADDLEG

ClinVar aggregate classification (germline): Conflicting classifications of pathogenicity. Review status: criteria provided, conflicting classifications (1 of 4 stars). 3 submissions from 3 submitters: Uncertain significance (1); Likely benign (2). Last evaluated 2025-04-09.

Conditions:
Ehlers-Danlos syndrome, classic type, 1 (EDSCL1). Also called: Ehlers-Danlos Syndrome, Classic Type, COL5A1-Related; EDS I; Ehlers-Danlos syndrome, type 1; EHLERS-DANLOS SYNDROME, GRAVIS TYPE; EHLERS-DANLOS SYNDROME, SEVERE CLASSIC TYPE. Identifiers: MedGen C0268335, MONDO:0019567, OMIM 130000.
Familial thoracic aortic aneurysm and aortic dissection (TAAD). Also called: Thoracic aortic aneurysms and dissections. Identifiers: Orphanet 91387, MedGen C4707243, MONDO:0019625.

Allele frequency attached by ClinVar (database versions not stated): gnomAD 0.00001; gnomAD exomes below 0.00001 and 0.00001; TOPMed below 0.00001.
gnomAD v4.1: 17 of 1,614,092 alleles (0.0011%); highest among the groups gnomAD compares: Non-Finnish European, 0.0014%; no homozygotes.

Submissions (3):

Molecular Diagnostic Laboratory for Inherited Cardiovascular Disease, Montreal Heart Institute
Classification: Likely benign. Last evaluated: 2025-04-09. Review status: criteria provided, single submitter. Criteria: ACMG Guidelines, 2015. Collection method: clinical testing. Allele origin: germline. Affected: no.
Comment: BS1;BP4

Labcorp Genetics (formerly Invitae), Labcorp
Classification: Likely benign for Ehlers-Danlos syndrome, classic type, 1. Last evaluated: 2024-12-10. Review status: criteria provided, single submitter. Criteria: Invitae Variant Classification Sherloc (09022015). Collection method: clinical testing. Allele origin: germline.

Ambry Genetics
Classification: Uncertain significance for Familial thoracic aortic aneurysm and aortic dissection. Last evaluated: 2017-12-18. Review status: criteria provided, single submitter. Criteria: Ambry Variant Classification Scheme 2023. Collection method: clinical testing. Allele origin: germline.
Comment: The p.P392L variant (also known as c.1175C>T), located in coding exon 8 of the COL5A1 gene, results from a C to T substitution at nucleotide position 1175. The proline at codon 392 is replaced by leucine, an amino acid with similar properties. This amino acid position is poorly conserved in available vertebrate species. In addition, this alteration is predicted to be tolerated by in silico analysis. Since supporting evidence is limited at this time, the clinical significance of this alteration remains unclear.